The following is an entry in ClinVar:

ClinVar aggregate classification (germline): Conflicting classifications of pathogenicity. Review status: criteria provided, conflicting classifications (1 of 4 stars). 4 submissions from 4 submitters: Uncertain significance (2); Likely benign (2). Last evaluated 2024-10-12.

Conditions:
Inborn genetic diseases. Identifiers: MedGen C0950123, MeSH D030342.

Allele frequency attached by ClinVar (database versions not stated): gnomAD 0.00003; TOPMed 0.00007; ExAC 0.00008; gnomAD exomes 0.00008.
gnomAD v4.1: 122 of 1,614,020 alleles (0.0076%); highest among the groups gnomAD compares: Admixed American, 0.018%; no homozygotes.

Submissions (4):

GeneDx
Classification: Uncertain significance. Last evaluated: 2024-10-12. Review status: criteria provided, single submitter. Criteria: GeneDx Variant Classification Process June 2021. Collection method: clinical testing. Allele origin: germline. Affected: yes.
Comment: In silico analysis indicates that this missense variant does not alter protein structure/function; Has not been previously published as pathogenic or benign to our knowledge

Blueprint Genetics
Classification: Likely benign. Last evaluated: 2024-09-20. Review status: criteria provided, single submitter. Criteria: ACMG Guidelines, 2015. Collection method: clinical testing. Allele origin: germline.

Ambry Genetics
Classification: Likely benign for Inborn genetic diseases. Last evaluated: 2023-11-21. Review status: criteria provided, single submitter. Criteria: Ambry Variant Classification Scheme 2023. Collection method: clinical testing. Allele origin: germline.

Labcorp Genetics (formerly Invitae), Labcorp
Classification: Uncertain significance. Last evaluated: 2022-07-25. Review status: criteria provided, single submitter. Criteria: Invitae Variant Classification Sherloc (09022015). Collection method: clinical testing. Allele origin: germline.
Comment: This sequence change replaces arginine, which is basic and polar, with glutamine, which is neutral and polar, at codon 831 of the TOP3A protein (p.Arg831Gln). This variant is present in population databases (rs762571378, gnomAD 0.02%). This variant has not been reported in the literature in individuals affected with TOP3A-related conditions. Algorithms developed to predict the effect of missense changes on protein structure and function output the following: SIFT: "Not Available"; PolyPhen-2: "Benign"; Align-GVGD: "Not Available". The glutamine amino acid residue is found in multiple mammalian species, which suggests that this missense change does not adversely affect protein function. In summary, the available evidence is currently insufficient to determine the role of this variant in disease. Therefore, it has been classified as a Variant of Uncertain Significance.

NM_004618.5(TOP3A):c.2492G>A (p.Arg831Gln)

Gene: TOP3A (DNA topoisomerase III alpha; minus strand). Cytogenetic location: 17p11.2.
Variant type: single nucleotide variant.
Coding change: c.2492G>A on transcript NM_004618.5 (MANE Select); coding-DNA position 2492, G replaced by A.
Protein change: p.Arg831Gln; replaces arginine 831 with glutamine.
Molecular consequence: missense variant.
Genome position (GRCh38, 1-based): chr17:18,278,010, C>T on the plus strand (G>A on the coding strand, the complement: TOP3A is on the minus strand). VCF-style: chr17-18278010-C-T. GRCh37 (hg19) VCF-style: chr17-18181324-C-T.
Other names: c.2207G>A, p.Arg736Gln (NM_001320759.2); c.2492G>A (NM_004618.4, NM_004618.3); short protein forms R736Q, R831Q.
Identifiers: ClinVar variation 2421346 (VCV002421346.6), dbSNP rs762571378, ClinGen allele CA8429589.